The following is an entry in ClinVar:

NM_000057.4(BLM):c.1568A>G (p.Asn523Ser)

Gene: BLM (BLM RecQ like helicase; plus strand). Cytogenetic location: 15q26.1.
Variant type: single nucleotide variant.
Coding change: c.1568A>G on transcript NM_000057.4 (MANE Select); coding-DNA position 1568, A replaced by G.
Protein change: p.Asn523Ser; replaces asparagine 523 with serine.
Molecular consequence: missense variant.
Genome position (GRCh38, 1-based): chr15:90,760,941, A>G. VCF-style: chr15-90760941-A-G. GRCh37 (hg19) VCF-style: chr15-91304171-A-G.
Other names: c.1568A>G, p.Asn523Ser (NM_001287246.2, NM_001287247.2); c.443A>G, p.Asn148Ser (NM_001287248.2); short protein forms N148S, N523S.
Identifiers: ClinVar variation 2562333 (VCV002562333.2), dbSNP rs1385248707, ClinGen allele CA393843346.
Genomic context (GRCh38, chr15:90,760,941, plus strand): 5'-GCAACTGGGCTGAAACACCAAGACTAGGAAAAAAAAATGAAAGCTCTTATTTCCCAGGAA[A>G]TGTTCTCACAAGCACTGCTGTGAAAGATCAGAATAAACATACTGCTTCAATAAATGACTT-3'
Protein context (NP_000048.1, residues 513-533): KKNESSYFPG[Asn523Ser]VLTSTAVKDQ

ClinVar aggregate classification (germline): Uncertain significance (1 of 4 stars; one submission).

Conditions:
Hereditary cancer-predisposing syndrome. Also called: Neoplastic Syndromes, Hereditary; Hereditary Cancer Syndrome; Hereditary neoplastic syndrome; Tumor predisposition. Identifiers: Orphanet 140162, MedGen C0027672, MeSH D009386, MONDO:0015356.

gnomAD v4.1: 2 of 1,614,118 alleles (0.00012%); highest among the groups gnomAD compares: South Asian, 0.0011%; no homozygotes.

Submission:

Ambry Genetics
Classification: Uncertain significance for Hereditary cancer-predisposing syndrome. Last evaluated: 2023-04-16. Review status: criteria provided, single submitter. Criteria: Ambry Variant Classification Scheme 2023. Collection method: clinical testing. Allele origin: germline.
Comment: The p.N523S variant (also known as c.1568A>G), located in coding exon 6 of the BLM gene, results from an A to G substitution at nucleotide position 1568. The asparagine at codon 523 is replaced by serine, an amino acid with highly similar properties. This amino acid position is conserved. In addition, this alteration is predicted to be tolerated by in silico analysis. Since supporting evidence is limited at this time, the clinical significance of this alteration remains unclear.